The following is an entry in ClinVar:

NM_000222.3(KIT):c.2729A>G (p.Asp910Gly)

Gene: KIT (KIT proto-oncogene, receptor tyrosine kinase; plus strand). Cytogenetic location: 4q12.
Variant type: single nucleotide variant.
Coding change: c.2729A>G on transcript NM_000222.3 (MANE Select); coding-DNA position 2729, A replaced by G.
Protein change: p.Asp910Gly; replaces aspartic acid 910 with glycine.
Molecular consequence: missense variant.
Genome position (GRCh38, 1-based): chr4:54,737,207, A>G. VCF-style: chr4-54737207-A-G. GRCh37 (hg19) VCF-style: chr4-55603373-A-G.
Other names: c.2717A>G, p.Asp906Gly (NM_001093772.2, NM_001385292.1); c.2732A>G, p.Asp911Gly (NM_001385284.1); c.2726A>G, p.Asp909Gly (NM_001385285.1); c.2714A>G, p.Asp905Gly (NM_001385286.1); c.2720A>G, p.Asp907Gly (NM_001385288.1); c.2729A>G, p.Asp910Gly (NM_001385290.1); short protein forms D905G, D910G, D911G, D907G, D909G, D906G.
Identifiers: ClinVar variation 4721784 (VCV004721784.1).

ClinVar aggregate classification (germline): Uncertain significance (1 of 4 stars; one submission).

Conditions:
Gastrointestinal stromal tumor. Also called: Gastrointestinal stromal tumor, somatic; Gastrointestinal stroma tumor. Identifiers: Orphanet 44890, MedGen C0238198, MeSH D046152, MONDO:0011719, OMIM 606764, HP:0100723.

Submission:

Labcorp Genetics (formerly Invitae), Labcorp
Classification: Uncertain significance for Gastrointestinal stromal tumor. Last evaluated: 2025-06-20. Review status: criteria provided, single submitter. Criteria: Invitae Variant Classification Sherloc (09022015). Collection method: clinical testing. Allele origin: germline.
Comment: This sequence change replaces aspartic acid, which is acidic and polar, with glycine, which is neutral and non-polar, at codon 910 of the KIT protein (p.Asp910Gly). This variant is not present in population databases (gnomAD no frequency). This variant has not been reported in the literature in individuals affected with KIT-related conditions. An algorithm developed to predict the effect of missense changes on protein structure and function (PolyPhen-2) suggests that this variant is likely to be disruptive. In summary, the available evidence is currently insufficient to determine the role of this variant in disease. Therefore, it has been classified as a Variant of Uncertain Significance.